The following is an entry in ClinVar:

NM_198253.3(TERT):c.1427G>A (p.Gly476Asp)

Gene: TERT (telomerase reverse transcriptase; minus strand). Cytogenetic location: 5p15.33.
Variant type: single nucleotide variant.
Coding change: c.1427G>A on transcript NM_198253.3 (MANE Select); coding-DNA position 1427, G replaced by A.
Protein change: p.Gly476Asp; replaces glycine 476 with aspartic acid.
Molecular consequence: missense variant. On other transcripts: non-coding transcript variant (2).
Genome position (GRCh38, 1-based): chr5:1,293,459, C>T on the plus strand (G>A on the coding strand, the complement: TERT is on the minus strand). VCF-style: chr5-1293459-C-T. GRCh37 (hg19) VCF-style: chr5-1293574-C-T.
Other names: c.1427G>A, p.Gly476Asp (NM_001193376.3); short protein forms G476D.
Identifiers: ClinVar variation 3455147 (VCV003455147.1).

ClinVar aggregate classification (germline): Uncertain significance (1 of 4 stars; one submission).

Conditions:
Dyskeratosis congenita. Identifiers: Orphanet 1775, MedGen C0265965, MONDO:0015780.

gnomAD v4.1: 2 of 1,609,670 alleles (0.00012%); highest among the groups gnomAD compares: African/African-American, 0.0013%; no homozygotes.

Submission:

Ambry Genetics
Classification: Uncertain significance for Dyskeratosis congenita. Last evaluated: 2024-09-04. Review status: criteria provided, single submitter. Criteria: Ambry Variant Classification Scheme 2023. Collection method: clinical testing. Allele origin: germline.
Comment: The p.G476D variant (also known as c.1427G>A), located in coding exon 2 of the TERT gene, results from a G to A substitution at nucleotide position 1427. The glycine at codon 476 is replaced by aspartic acid, an amino acid with similar properties. This amino acid position is conserved. In addition, this alteration is predicted to be tolerated by in silico analysis. Based on the available evidence, the clinical significance of this variant remains unclear.